The following is an entry in ClinVar:

NM_000271.5(NPC1):c.3556C>T (p.Arg1186Cys)

Gene: NPC1 (NPC intracellular cholesterol transporter 1; minus strand). Cytogenetic location: 18q11.2.
Variant type: single nucleotide variant.
Coding change: c.3556C>T on transcript NM_000271.5 (MANE Select); coding-DNA position 3556, C replaced by T.
Protein change: p.Arg1186Cys; replaces arginine 1186 with cysteine.
Molecular consequence: missense variant.
Genome position (GRCh38, 1-based): chr18:23,534,481, G>A on the plus strand (C>T on the coding strand, the complement: NPC1 is on the minus strand). VCF-style: chr18-23534481-G-A. GRCh37 (hg19) VCF-style: chr18-21114445-G-A.
Other names: c.3556C>T (NM_000271.4); short protein forms R1186C.
Identifiers: ClinVar variation 286652 (VCV000286652.17), dbSNP rs145297180, ClinGen allele CA8912734.

ClinVar aggregate classification (germline): Conflicting classifications of pathogenicity. Review status: criteria provided, conflicting classifications (1 of 4 stars). 6 submissions from 6 submitters: Likely pathogenic (3); Uncertain significance (3). Last evaluated 2026-03-17.

Conditions:
Inborn genetic diseases. Identifiers: MedGen C0950123, MeSH D030342.
Niemann-Pick disease, type C1. Also called: NEUROVISCERAL STORAGE DISEASE WITH VERTICAL SUPRANUCLEAR OPHTHALMOPLEGIA; NIEMANN-PICK DISEASE WITH CHOLESTEROL ESTERIFICATION BLOCK; NIEMANN-PICK DISEASE WITHOUT SPHINGOMYELINASE DEFICIENCY; NIEMANN-PICK DISEASE, CHRONIC NEURONOPATHIC FORM; NIEMANN-PICK DISEASE, VARIANT TYPE C1. Identifiers: Orphanet 646, MedGen C3179455, MONDO:0009757, OMIM 257220.

Allele frequency attached by ClinVar (database versions not stated): ESP Exome Variant Server 0.00015; ExAC 0.00002; gnomAD 0.00004 and 0.00003; gnomAD exomes 0.00005 and 0.00002; TOPMed 0.00005.
gnomAD v4.1: 78 of 1,613,800 alleles (0.0048%); highest among the groups gnomAD compares: Non-Finnish European, 0.0063%; no homozygotes.

Submissions (6):

Ambry Genetics
Classification: Likely pathogenic for Inborn genetic diseases. Last evaluated: 2026-03-17. Review status: criteria provided, single submitter. Criteria: Ambry Variant Classification Scheme 2023. Collection method: clinical testing. Allele origin: germline.
Comment: The c.3556C>T (p.R1186C) alteration is located in exon 23 (coding exon 23) of the NPC1 gene. This alteration results from a C to T substitution at nucleotide position 3556, causing the arginine (R) at amino acid position 1186 to be replaced by a cysteine (C). Based on data from gnomAD, the T allele has an overall frequency of 0.003% (8/282446) total alleles studied. The highest observed frequency was 0.005% (7/129082) of European (non-Finnish) alleles. Other variants at the same codon, c.3557G>A (p.R1186H) and c.3556C>G (p.R1186G), have been identified in individuals with features consistent with NPC1-related Niemann-Pick disease (Xiong, 2012; Kluenemann, 2013; Mavridou, 2017). This amino acid position is highly conserved in available vertebrate species. This alteration is predicted to be deleterious by in silico analysis. Based on the available evidence, this alteration is classified as likely pathogenic.

Labcorp Genetics (formerly Invitae), Labcorp
Classification: Likely pathogenic for Niemann-Pick disease, type C1. Last evaluated: 2025-12-01. Review status: criteria provided, single submitter. Criteria: Invitae Variant Classification Sherloc (09022015). Collection method: clinical testing. Allele origin: germline.
Comment: This sequence change replaces arginine, which is basic and polar, with cysteine, which is neutral and slightly polar, at codon 1186 of the NPC1 protein (p.Arg1186Cys). This variant is present in population databases (rs145297180, gnomAD 0.003%). This variant has not been reported in the literature in individuals affected with NPC1-related conditions. ClinVar contains an entry for this variant (Variation ID: 286652). Invitae Evidence Modeling of protein sequence and biophysical properties (such as structural, functional, and spatial information, amino acid conservation, physicochemical variation, residue mobility, and thermodynamic stability) indicates that this missense variant is expected to disrupt NPC1 protein function with a positive predictive value of 95%. This variant disrupts the p.Arg1186 amino acid residue in NPC1. Other variant(s) that disrupt this residue have been determined to be pathogenic (PMID: 9211849, 22326530, 26666848, 28105569). This suggests that this residue is clinically significant, and that variants that disrupt this residue are likely to be disease-causing. In summary, the currently available evidence indicates that the variant is pathogenic, but additional data are needed to prove that conclusively. Therefore, this variant has been classified as Likely Pathogenic.

GeneDx
Classification: Uncertain significance. Last evaluated: 2025-11-21. Review status: criteria provided, single submitter. Criteria: GeneDx Variant Classification Process June 2021. Collection method: clinical testing. Allele origin: germline.
Comment: In silico analysis supports that this missense variant has a deleterious effect on protein structure/function; Not observed at significant frequency in large population cohorts (gnomAD); Reported in one adult patient with a psychiatric disorder; however detailed clinical information was not provided (PMID: 30556376); This variant is associated with the following publications: (PMID: 30556376)

Women's Health and Genetics/Laboratory Corporation of America, LabCorp
Classification: Uncertain significance. Last evaluated: 2025-06-06. Review status: criteria provided, single submitter. Criteria: LabCorp Variant Classification Summary - May 2015. Collection method: clinical testing. Allele origin: germline.
Comment: Variant summary: NPC1 c.3556C>T (p.Arg1186Cys) results in a non-conservative amino acid change in the encoded protein sequence. Algorithms developed to predict the effect of missense changes on protein structure and function all suggest that this variant is likely to be disruptive. The variant allele was found at a frequency of 2.4e-05 in 251042 control chromosomes. The available data on variant occurrences in the general population are insufficient to allow any conclusion about variant significance. To our knowledge, no occurrence of c.3556C>T in individuals affected with Niemann-Pick Disease Type C and no experimental evidence demonstrating its impact on protein function have been reported. Other alterations of this amino acid have been classified as pathogenic in ClinVar (p.R1186L and p.R1186H), supporting the critical relevance of codon 1186 to NPC1 protein function; however, the available evidence is currently insufficient to determine the role of this variant in disease. ClinVar contains an entry for this variant (Variation ID: 286652). Based on the evidence outlined above, the variant was classified as uncertain significance.

Laboratory of Medical Genetics, National & Kapodistrian University of Athens
Classification: Likely pathogenic for Niemann-Pick disease, type C1. Last evaluated: 2024-02-01. Review status: criteria provided, single submitter. Criteria: ACMG Guidelines, 2015. Collection method: curation. Allele origin: germline. Affected: no.

Eurofins Ntd Llc (ga)
Classification: Uncertain significance. Last evaluated: 2016-03-23. Review status: criteria provided, single submitter. Criteria: EGL Classification Definitions 2015. Collection method: clinical testing. Allele origin: germline. Observed: 1 variant allele, 1 heterozygote.

Literature cited by the submitters: PubMed 22326530 (cited by Ambry Genetics and Labcorp Genetics (formerly Invitae), Labcorp); PubMed 24035292 (cited by Ambry Genetics); PubMed 28105569 (cited by Ambry Genetics and Labcorp Genetics (formerly Invitae), Labcorp); PubMed 9211849 (cited by Labcorp Genetics (formerly Invitae), Labcorp); PubMed 26666848 (cited by Labcorp Genetics (formerly Invitae), Labcorp); PubMed 30556376 (cited by Women's Health and Genetics/Laboratory Corporation of America, LabCorp).